The following is an entry in ClinVar:

NM_005251.3(FOXC2):c.914_921del (p.Tyr305fs)

Gene: FOXC2 (forkhead box C2; plus strand). Cytogenetic location: 16q24.1.
Variant type: Deletion.
Coding change: c.914_921del on transcript NM_005251.3 (MANE Select); coding-DNA positions 914 to 921, 8 bases deleted (ACGCCGCC; older notation c.914_921delACGCCGCC).
Protein change: p.Tyr305fs; shifts the reading frame from tyrosine 305.
Molecular consequence: frameshift variant.
Genome position (GRCh38, 1-based): chr16:86,568,249-86,568,256, ACGCCGCC deleted. VCF-style (leftmost placement, unchanged base first): chr16-86568248-TACGCCGCC-T. GRCh37 (hg19) VCF-style: chr16-86601854-TACGCCGCC-T.
Other names: short protein forms Y305fs.
Identifiers: ClinVar variation 7257 (VCV000007257.7), dbSNP rs1567571564, ClinGen allele CA912996617.

ClinVar aggregate classification (germline): Pathogenic. Review status: criteria provided, multiple submitters, no conflicts (2 of 4 stars). 5 submissions from 5 submitters: Pathogenic (4). 1 of the submissions does not count toward it. Last evaluated 2025-04-08.

Conditions:
FOXC2-related disorders.
Non-immune hydrops fetalis (NIHF). Also called: Idiopathic hydrops fetalis; Familial non-immune hydrops fetalis; Fetal edema. Identifiers: Orphanet 363999, MedGen C0455988, MONDO:0009369, OMIM 236750, HP:0001790.
Distichiasis-lymphedema syndrome. Also called: LYMPHEDEMA WITH DISTICHIASIS. Identifiers: Orphanet 33001, MedGen C0265345, MONDO:0007922, OMIM 153400.

Submissions (5):

Labcorp Genetics (formerly Invitae), Labcorp
Classification: Pathogenic. Last evaluated: 2025-04-08. Review status: criteria provided, single submitter. Criteria: Invitae Variant Classification Sherloc (09022015). Collection method: clinical testing. Allele origin: germline.
Comment: This sequence change creates a premature translational stop signal (p.Tyr305Cysfs*155) in the FOXC2 gene. While this is not anticipated to result in nonsense mediated decay, it is expected to disrupt the last 197 amino acid(s) of the FOXC2 protein. This variant is not present in population databases (gnomAD no frequency). This premature translational stop signal has been observed in individual(s) with lymphedema-distichiasis syndrome (PMID: 11499682). It has also been observed to segregate with disease in related individuals. ClinVar contains an entry for this variant (Variation ID: 7257). This variant disrupts a region of the FOXC2 protein in which other variant(s) (p.Tyr313Argfs*152) have been determined to be pathogenic (PMID: 1371511, 24167460, 35716761). This suggests that this is a clinically significant region of the protein, and that variants that disrupt it are likely to be disease-causing. For these reasons, this variant has been classified as Pathogenic.

Revvity Omics, Revvity
Classification: Pathogenic for Distichiasis-lymphedema syndrome. Last evaluated: 2022-11-08. Review status: criteria provided, single submitter. Criteria: ACMG Guidelines, 2015. Collection method: clinical testing. Allele origin: germline.

Genomic Medicine Lab, University of California San Francisco
Classification: Pathogenic for Non-immune hydrops fetalis. Last evaluated: 2022-03-14. Review status: criteria provided, single submitter. Criteria: ACMG Guidelines, 2015. Collection method: clinical testing. Allele origin: unknown. Affected: yes.
Comment: The detected variant causes an 8 bp deletion affecting amino acid 305, which is predicted to cause a frame shift and premature stop further downstream FOXC2. This variant has been previously identified in patients with lymphoedema-distichiasis (PMIDs: 11499682, 12485195). It is rare in population sequencing databases (gnomAD no frequency). This truncating variant is expected to cause a loss of function effect through activation of nonsense-mediated decay, or truncation of the protein.

Blueprint Genetics
Classification: Pathogenic for FOXC2-related disorders. Last evaluated: 2021-06-20. Review status: criteria provided, single submitter. Criteria: ACMG Guidelines, 2015. Collection method: clinical testing. Allele origin: germline. Affected: yes. Observed: 1 variant allele.

OMIM
Classification: Pathogenic for LYMPHEDEMA-DISTICHIASIS SYNDROME. Last evaluated: 2002-12-01. Review status: no assertion criteria provided. Collection method: literature only. Allele origin: germline. Not counted in ClinVar's aggregate classification.

Literature cited by the submitters: PubMed 11499682 (cited by 3 submitters); PubMed 1371511 (cited by Labcorp Genetics (formerly Invitae), Labcorp); PubMed 24167460 (cited by Labcorp Genetics (formerly Invitae), Labcorp); PubMed 35716761 (cited by Labcorp Genetics (formerly Invitae), Labcorp); PubMed 12485195 (cited by Genomic Medicine Lab, University of California San Francisco and OMIM); PubMed 12114478 (cited by OMIM).